The following is an entry in ClinVar:

NM_152743.4(BRAT1):c.2367C>T (p.Ala789=)

Gene: BRAT1 (BRCA1 associated ATM activator 1; minus strand). Cytogenetic location: 7p22.3.
Variant type: single nucleotide variant.
Coding change: c.2367C>T on transcript NM_152743.4 (MANE Select); coding-DNA position 2367, C replaced by T.
Protein change: p.Ala789=; no amino-acid change (alanine 789 retained).
Molecular consequence: synonymous variant. On other transcripts: non-coding transcript variant (1).
Genome position (GRCh38, 1-based): chr7:2,538,168, G>A on the plus strand (C>T on the coding strand, the complement: BRAT1 is on the minus strand). VCF-style: chr7-2538168-G-A. GRCh37 (hg19) VCF-style: chr7-2577802-G-A.
Other names: c.2547C>T, p.Ala849= (NM_001350626.2); c.1842C>T, p.Ala614= (NM_001350627.2).
Identifiers: ClinVar variation 1212820 (VCV001212820.25), dbSNP rs200892967, ClinGen allele CA4127377.

ClinVar aggregate classification (germline): Likely benign. Review status: criteria provided, multiple submitters, no conflicts (2 of 4 stars). 3 submissions from 3 submitters: Likely benign (3). Last evaluated 2024-09-01.

Conditions:
Neonatal-onset encephalopathy with rigidity and seizures. Also called: Lethal neonatal spasticity-epileptic encephalopathy syndrome. Identifiers: Orphanet 435845, MedGen C3281029, MONDO:0013784, OMIM 614498.

Allele frequency attached by ClinVar (database versions not stated): gnomAD 0.00001 and 0.00002; gnomAD exomes 0.00001 and 0.00002; ExAC 0.00003; 1000 Genomes Project 0.00020; 1000 Genomes Project 30x 0.00031.
gnomAD v4.1: 21 of 1,608,810 alleles (0.0013%); highest among the groups gnomAD compares: African/African-American, 0.004%; no homozygotes.

Submissions (3):

CeGaT Center for Human Genetics Tuebingen
Classification: Likely benign. Last evaluated: 2024-09-01. Review status: criteria provided, single submitter. Criteria: CeGaT Center For Human Genetics Tuebingen Variant Classification Criteria Version 2. Collection method: clinical testing. Allele origin: germline. Affected: yes. Observed: 1 variant allele.
Comment: BRAT1: BP4, BP7

Labcorp Genetics (formerly Invitae), Labcorp
Classification: Likely benign for Neonatal-onset encephalopathy with rigidity and seizures. Last evaluated: 2022-08-23. Review status: criteria provided, single submitter. Criteria: Invitae Variant Classification Sherloc (09022015). Collection method: clinical testing. Allele origin: germline.

GeneDx
Classification: Likely benign. Last evaluated: 2019-05-31. Review status: criteria provided, single submitter. Criteria: GeneDx Variant Classification Process June 2021. Collection method: clinical testing. Allele origin: germline. Affected: yes.